The following is an entry in ClinVar:

ClinVar aggregate classification (germline): Likely benign (1 of 4 stars; one submission).

Conditions:
BAP1-related disorder. Also called: BAP1-related condition.

Submission:

PreventionGenetics, part of Exact Sciences
Classification: Likely benign for BAP1-related condition. Last evaluated: 2026-01-09. Review status: criteria provided, single submitter. Criteria: ACMG Guidelines, 2015. Collection method: clinical testing. Allele origin: germline.
Comment: This variant is classified as likely benign based on ACMG/AMP sequence variant interpretation guidelines (Richards et al. 2015 PMID: 25741868, with internal and published modifications).

NM_004656.4(BAP1):c.438-10T>C

Gene: BAP1 (BRCA1 associated deubiquitinase 1; minus strand). Cytogenetic location: 3p21.1.
Variant type: single nucleotide variant.
Coding change: c.438-10T>C on transcript NM_004656.4 (MANE Select); 10 bases into the intron before coding-DNA position 438, T replaced by C.
Molecular consequence: intron variant.
Genome position (GRCh38, 1-based): chr3:52,407,326, A>G on the plus strand (T>C on the coding strand, the complement: BAP1 is on the minus strand). VCF-style: chr3-52407326-A-G. GRCh37 (hg19) VCF-style: chr3-52441342-A-G.
Other names: c.438-10T>C (NM_001410772.1).
Identifiers: ClinVar variation 4991413 (VCV004991413.1).